The following is an entry in ClinVar:

ClinVar aggregate classification (germline): Uncertain significance (1 of 4 stars; one submission).

Allele frequency attached by ClinVar (database versions not stated): TOPMed below 0.00001; ExAC 0.00001.
gnomAD v4.1: 1 of 1,610,878 alleles (0.000062%); highest among the groups gnomAD compares: Admixed American, 0.0017%; no homozygotes.

Submission:

GeneDx
Classification: Uncertain significance. Last evaluated: 2023-01-12. Review status: criteria provided, single submitter. Criteria: GeneDx Variant Classification Process June 2021. Collection method: clinical testing. Allele origin: germline. Affected: yes.
Comment: Not observed at significant frequency in large population cohorts (gnomAD); In silico analysis supports that this missense variant does not alter protein structure/function; Has not been previously published as pathogenic or benign to our knowledge

NM_001039141.3(TRIOBP):c.4406C>A (p.Ala1469Glu)

Gene: TRIOBP (TRIO and F-actin binding protein; plus strand). Cytogenetic location: 22q13.1.
Variant type: single nucleotide variant.
Coding change: c.4406C>A on transcript NM_001039141.3 (MANE Select); coding-DNA position 4406, C replaced by A.
Protein change: p.Ala1469Glu; replaces alanine 1469 with glutamic acid.
Molecular consequence: missense variant.
Genome position (GRCh38, 1-based): chr22:37,734,742, C>A. VCF-style: chr22-37734742-C-A. GRCh37 (hg19) VCF-style: chr22-38130749-C-A.
Other names: short protein forms A1469E.
Identifiers: ClinVar variation 2572824 (VCV002572824.1), dbSNP rs770007342, ClinGen allele CA10224370.